The following is an entry in ClinVar:

NM_000243.3(MEFV):c.453G>C (p.Arg151Ser)

Gene: MEFV (MEFV innate immunity regulator, pyrin; minus strand). Cytogenetic location: 16p13.3.
Variant type: single nucleotide variant.
Coding change: c.453G>C on transcript NM_000243.3 (MANE Select); coding-DNA position 453, G replaced by C.
Protein change: p.Arg151Ser; replaces arginine 151 with serine.
Molecular consequence: missense variant. On other transcripts: intron variant (1).
Genome position (GRCh38, 1-based): chr16:3,254,615, C>G on the plus strand (G>C on the coding strand, the complement: MEFV is on the minus strand). VCF-style: chr16-3254615-C-G. GRCh37 (hg19) VCF-style: chr16-3304615-C-G.
Other names: c.277+1696G>C (NM_001198536.2); short protein forms R151S.
Identifiers: ClinVar variation 97524 (VCV000097524.36), dbSNP rs104895185, ClinGen allele CA280607.

ClinVar aggregate classification (germline): Uncertain significance. Review status: criteria provided, multiple submitters, no conflicts (2 of 4 stars). 6 submissions from 6 submitters: Uncertain significance (4). 2 of the submissions do not count toward it. Last evaluated 2025-01-01.

Conditions:
Familial Mediterranean fever (FMF). Also called: POLYSEROSITIS, FAMILIAL PAROXYSMAL; POLYSEROSITIS, RECURRENT; Periodic peritonitis; Benign paroxysmal peritonitis. Identifiers: Orphanet 342, MedGen C0031069, MONDO:0018088, OMIM 249100. Disease mechanism: gain of function.
Familial Mediterranean fever, autosomal dominant. Also called: FMF, AUTOSOMAL DOMINANT; Dominant Familial Mediterranean Fever. Identifiers: Orphanet 342, MedGen C1851347, MONDO:0007601, OMIM 134610.
Acute febrile neutrophilic dermatosis (AFND). Also called: Sweet Syndrome; Gomm Button disease. Identifiers: Orphanet 3243, MedGen C0085077, MONDO:0011959, OMIM 608068.

Allele frequency attached by ClinVar (database versions not stated): gnomAD 0.00003; gnomAD exomes 0.00007; ExAC 0.00012; 1000 Genomes Project 30x 0.00062; 1000 Genomes Project 0.00080.

Submissions (6):

CeGaT Center for Human Genetics Tuebingen
Classification: Uncertain significance. Last evaluated: 2025-01-01. Review status: criteria provided, single submitter. Criteria: CeGaT Center For Human Genetics Tuebingen Variant Classification Criteria Version 2. Collection method: clinical testing. Allele origin: germline. Affected: yes. Observed: 2 variant alleles.
Comment: MEFV: PM2, PM3:Supporting, BP4

Fulgent Genetics
Classification: Uncertain significance for Familial Mediterranean fever, autosomal dominant; Familial Mediterranean fever; Acute febrile neutrophilic dermatosis. Last evaluated: 2024-03-05. Review status: criteria provided, single submitter. Criteria: ACMG Guidelines, 2015. Collection method: clinical testing. Allele origin: germline.

Labcorp Genetics (formerly Invitae), Labcorp
Classification: Uncertain significance for Familial Mediterranean fever. Last evaluated: 2022-02-17. Review status: criteria provided, single submitter. Criteria: Invitae Variant Classification Sherloc (09022015). Collection method: clinical testing. Allele origin: germline.
Comment: This sequence change replaces arginine, which is basic and polar, with serine, which is neutral and polar, at codon 151 of the MEFV protein (p.Arg151Ser). This variant is present in population databases (rs104895185, gnomAD 0.05%). This missense change has been observed in individual(s) with clinical features of familial Mediterranean fever (PMID: 21413889). ClinVar contains an entry for this variant (Variation ID: 97524). Algorithms developed to predict the effect of missense changes on protein structure and function are either unavailable or do not agree on the potential impact of this missense change (SIFT: "Deleterious"; PolyPhen-2: "Possibly Damaging"; Align-GVGD: "Class C0"). Algorithms developed to predict the effect of sequence changes on RNA splicing suggest that this variant is not likely to affect RNA splicing. In summary, the available evidence is currently insufficient to determine the role of this variant in disease. Therefore, it has been classified as a Variant of Uncertain Significance.

Genome-Nilou Lab
Classification: Uncertain significance for Familial Mediterranean fever. Last evaluated: 2021-07-14. Review status: criteria provided, single submitter. Criteria: ACMG Guidelines, 2015. Collection method: clinical testing. Allele origin: germline. Affected: no.

Natera, Inc.
Classification: Uncertain significance for Familial Mediterranean fever. Last evaluated: 2020-03-09. Review status: no assertion criteria provided. Collection method: clinical testing. Allele origin: germline. Not counted in ClinVar's aggregate classification.

Unité médicale des maladies autoinflammatoires, CHRU Montpellier
No classification provided. Condition: Familial Mediterranean fever. Review status: no classification provided. Collection method: not provided. Allele origin: unknown. Not counted in ClinVar's aggregate classification.

Literature cited by the submitters: PubMed 21413889 (cited by Labcorp Genetics (formerly Invitae), Labcorp).